The following is an entry in ClinVar:

ClinVar aggregate classification (germline): Pathogenic/Likely pathogenic. Review status: criteria provided, multiple submitters, no conflicts (2 of 4 stars). 16 submissions from 16 submitters: Pathogenic (11); Likely pathogenic (2). 3 of the submissions do not count toward it. Last evaluated 2025-10-29.

Conditions:
Granulomatous disease, chronic, autosomal recessive, cytochrome b-positive, type 1. Also called: Chronic granulomatous disease due to deficiency of NCF-1; Chronic granulomatous disease 1, autosomal recessive; CGD, AUTOSOMAL RECESSIVE CYTOCHROME b-POSITIVE, TYPE I; GRANULOMATOUS DISEASE, CHRONIC, DUE TO NCF1 DEFICIENCY; Chronic Granulomatous Disease, Autosomal Recessive, Cytochrome b-Positive, Type I. Identifiers: Orphanet 379, MedGen C1856251, MONDO:0009309, OMIM 233700.
NCF1-related disorders.
Chronic granulomatous disease. Identifiers: Orphanet 379, MedGen C0018203, MONDO:0018305.

Allele frequency attached by ClinVar (database versions not stated): ESP Exome Variant Server 0.00038; gnomAD 0.00054; ExAC 0.00065; gnomAD exomes 0.00069.

Submissions (16):

3billion
Classification: Pathogenic for Granulomatous disease, chronic, autosomal recessive, cytochrome b-positive, type 1. Last evaluated: 2025-10-29. Review status: criteria provided, single submitter. Criteria: ACMG Guidelines, 2015. Collection method: clinical testing. Allele origin: germline. Affected: yes.
Comment: The variant is observed at an extremely low frequency in the gnomAD v4.1.0 dataset (total allele frequency: 0.039%). Predicted Consequence/Location: Stop-gained (nonsense): predicted to result in a loss or disruption of normal protein function through nonsense-mediated decay (NMD) or protein truncation. Multiple pathogenic variants are reported downstream of the variant. In silico tool predictions suggest damaging effect of the variant on gene or gene product [3Cnet: 1.00 (damaging >0.75, benign <0.1)]. The variant has been reported at least twice as pathogenic with clinical assertions and evidence for the classification (ClinVar ID: VCV000426990 /PMID: 11920901 /3billion dataset). Therefore, this variant is classified as Pathogenic according to the recommendation of ACMG/AMP guideline.

First Genomix Gene Laboratory, Genetic Diagnostics Department
Classification: Pathogenic for Granulomatous disease, chronic, autosomal recessive, cytochrome b-positive, type 1. Last evaluated: 2025-06-03. Review status: criteria provided, single submitter. Criteria: ACMG Guidelines, 2015. Collection method: clinical testing. Allele origin: germline. Inheritance: Autosomal recessive inheritance. Affected: no. Observed: 1 variant allele.

Dasa
Classification: Pathogenic. Last evaluated: 2025-05-09. Review status: criteria provided, single submitter. Criteria: DASA Assertion Criteria. Collection method: clinical testing. Allele origin: germline.
Comment: NM_000265.7(NCF1):c.579G>A (p.Trp193*) introduces a premature termination codon predicted to result in loss of normal protein function. Loss-of-function is an established mechanism of disease for this gene. This variant has been observed in affected individuals with related phenotype in a genotype context consistent with recessive disease (PMID: 33746979; PMID: 24446915; PMID: 11920901). This variant has been recurrently observed in individuals with related phenotype (PMID: 33746979; PMID: 24446915; PMID: 11920901). Segregation evidence has been reported in affected families. The variant is present at low frequency in population datasets. Based on the available data, this variant is classified as pathogenic.

CeGaT Center for Human Genetics Tuebingen
Classification: Pathogenic. Last evaluated: 2024-12-01. Review status: criteria provided, single submitter. Criteria: CeGaT Center For Human Genetics Tuebingen Variant Classification Criteria Version 2. Collection method: clinical testing. Allele origin: germline. Affected: yes. Observed: 2 variant alleles.
Comment: NCF1: PM3:Very Strong, PVS1, PM2:Supporting

Blueprint Genetics
Classification: Pathogenic for NCF1-related disorders. Last evaluated: 2024-10-11. Review status: criteria provided, single submitter. Criteria: ACMG Guidelines, 2015. Collection method: clinical testing. Allele origin: germline. Affected: yes. Observed: 5 variant alleles.

Genomic Medicine Center of Excellence, King Faisal Specialist Hospital and Research Centre
Classification: Likely pathogenic for Chronic granulomatous disease 1, autosomal recessive. Last evaluated: 2024-03-14. Review status: criteria provided, single submitter. Criteria: ACMG Guidelines, 2015. Collection method: clinical testing. Allele origin: germline.

Department of Pathology and Laboratory Medicine, Sinai Health System
Classification: Pathogenic for Granulomatous disease, chronic, autosomal recessive, cytochrome b-positive, type 1. Last evaluated: 2023-04-02. Review status: criteria provided, single submitter. Criteria: ACMG Guidelines, 2015. Collection method: research. Allele origin: germline.

Revvity Omics, Revvity
Classification: Likely pathogenic for Granulomatous disease, chronic, autosomal recessive, cytochrome b-positive, type 1. Last evaluated: 2023-03-28. Review status: criteria provided, single submitter. Criteria: ACMG Guidelines, 2015. Collection method: clinical testing. Allele origin: germline.

Dubai Health Genomic Medicine Center, Dubai Health
Classification: Pathogenic. Last evaluated: 2022-12-17. Review status: criteria provided, single submitter. Criteria: ACMG Guidelines, 2015. Collection method: clinical testing. Allele origin: germline. Affected: yes.

Women's Health and Genetics/Laboratory Corporation of America, LabCorp
Classification: Pathogenic for Chronic granulomatous disease. Last evaluated: 2022-09-09. Review status: criteria provided, single submitter. Criteria: LabCorp Variant Classification Summary - May 2015. Collection method: clinical testing. Allele origin: germline.
Comment: Variant summary: NCF1 c.579G>A (p.Trp193X) results in a premature termination codon, predicted to cause a truncation of the encoded protein or absence of the protein due to nonsense mediated decay, which are commonly known mechanisms for disease. Truncations downstream of this position have been classified as pathogenic in ClinVar. The variant allele was found at a frequency of 0.00069 in 250032 control chromosomes (gnomAD). This frequency is not higher than predicted for a pathogenic variant in NCF1 causing Chronic Granulomatous Disease (0.00069 vs 0.0011). c.579G>A has been reported in the literature in multiple individuals affected with Chronic Granulomatous Disease and the variant segregated with disease. These data indicate that the variant is very likely to be associated with disease. Eight submitters have provided clinical-significance assessments for this variant to ClinVar after 2014 and all classified the variant as pathogenic. Based on the evidence outlined above, the variant was classified as pathogenic.

GeneDx
Classification: Pathogenic. Last evaluated: 2022-06-14. Review status: criteria provided, single submitter. Criteria: GeneDx Variant Classification Process June 2021. Collection method: clinical testing. Allele origin: germline. Affected: yes.
Comment: Nonsense variant predicted to result in protein truncation or nonsense mediated decay in a gene for which loss-of-function is a known mechanism of disease; This variant is associated with the following publications: (PMID: 18708296, 31172494, 16972229, 26460255, 25525159, 11920901, 27220316, 27701760, 28886419, 29947158, 29454792, 29331982, 24446915, 30963593, 30487145, 29411231, 31980526, 32736065, 33629196, 34573280, 31589614, 33746979, 35464432, 35112591)

Fulgent Genetics
Classification: Pathogenic for Granulomatous disease, chronic, autosomal recessive, cytochrome b-positive, type 1. Last evaluated: 2018-10-31. Review status: criteria provided, single submitter. Criteria: ACMG Guidelines, 2015. Collection method: clinical testing. Allele origin: unknown.

Neuberg Centre For Genomic Medicine, NCGM
Classification: Pathogenic for Granulomatous disease, chronic, autosomal recessive, cytochrome b-positive, type 1. Review status: criteria provided, single submitter. Criteria: ACMG Guidelines, 2015. Collection method: clinical testing. Allele origin: germline. Inheritance: Autosomal recessive inheritance. Affected: yes.
Comment: The stop gained variant c.579G>A (p.Trp193Ter) in NCF1 gene has previously been reported in homozygous state in multiple patients affected with chronic granulomatous disease (Al-Zadjali et al. 2015). The variant is novel (not in any individuals) in 1000 Genomes and is present in the gnomAD exomes database with a frequency of 0.07%. This variant has been reported to the ClinVar database as Pathogenic. This variant results in a premature termination codon which is predicted to result in protein truncation or nonsense mediated decay in a gene for which loss-of-function is a known mechanism of disease. The nucleotide change in NCF1 is predicted as conserved by GERP++ and PhyloP across 100 vertebrates. For these reasons, this variant has been classified as Pathogenic.

Biochemical Molecular Genetic Laboratory, King Abdulaziz Medical City
Classification: Pathogenic for Granulomatous disease, chronic, autosomal recessive, cytochrome b-positive, type 1. Last evaluated: 2020-02-05. Review status: no assertion criteria provided. Collection method: clinical testing. Allele origin: germline. Affected: yes. Not counted in ClinVar's aggregate classification.

Reproductive Health Research and Development, BGI Genomics
Classification: Pathogenic for Chronic granulomatous disease due to deficiency of NCF-1. Last evaluated: 2020-01-06. Review status: no assertion criteria provided. Collection method: curation. Allele origin: germline. Not counted in ClinVar's aggregate classification.
Comment: NM_000265.4:c.579G>A in the NCF1 gene has an allele frequency of 0.011 in Ashkenazi Jewish subpopulation in the gnomAD database. The NCF1 c.579G>A (p.Trp193*) variant results in a premature termination codon, predicted to cause a truncated or absent protein due to nonsense mediated decay. This variant has been detected in 13 patients affected with chronic granulomatous disease, all in homozygous states (PMID: 24446915). Taken together, we interprete this variant as Pathogenic/Likely pathogenic variant. ACMG/AMP Criteria applied: PVS1; PM3; PP4.

Department of Genetics, Sultan Qaboos University Hospital
Classification: Pathogenic for Granulomatous disease, chronic, autosomal recessive, cytochrome b-positive, type 1. Last evaluated: 2017-12-30. Review status: no assertion criteria provided. Collection method: curation. Allele origin: unknown. Affected: yes. Not counted in ClinVar's aggregate classification.

Literature cited by the submitters: PubMed 11920901 (cited by 3billion and Dasa); PubMed 33746979 (cited by Dasa and Women's Health and Genetics/Laboratory Corporation of America, LabCorp); PubMed 24446915 (cited by Dasa and Women's Health and Genetics/Laboratory Corporation of America, LabCorp).

NM_000265.7(NCF1):c.579G>A (p.Trp193Ter)

Genes: NCF1 (neutrophil cytosolic factor 1; plus strand), LOC106029312 (Williams-Beuren syndrome medial block B recombination region; plus strand). Cytogenetic location: 7q11.23.
Variant type: single nucleotide variant.
Coding change: c.579G>A on transcript NM_000265.7 (MANE Select); coding-DNA position 579, G replaced by A.
Protein change: p.Trp193Ter; replaces tryptophan 193 with a stop codon.
Molecular consequence: nonsense.
Genome position (GRCh38, 1-based): chr7:74,783,529, G>A. VCF-style: chr7-74783529-G-A. GRCh37 (hg19) VCF-style: chr7-74197872-G-A.
Other names: short protein forms W193*.
Identifiers: ClinVar variation 426990 (VCV000426990.68), dbSNP rs145360423, ClinGen allele CA4298223.